The following is an entry in ClinVar:

ClinVar aggregate classification (germline): Likely pathogenic (1 of 4 stars; one submission).

Conditions:
Primary ciliary dyskinesia. Also called: Ciliary dyskinesia. Identifiers: Orphanet 244, MedGen C0008780, MONDO:0016575, HP:0012265.

Submission:

Labcorp Genetics (formerly Invitae), Labcorp
Classification: Likely pathogenic for Primary ciliary dyskinesia. Last evaluated: 2020-08-24. Review status: criteria provided, single submitter. Criteria: Invitae Variant Classification Sherloc (09022015). Collection method: clinical testing. Allele origin: germline.
Comment: This variant has not been reported in the literature in individuals with DNAH5-related conditions. This sequence change affects an acceptor splice site in intron 37 of the DNAH5 gene. It is expected to disrupt RNA splicing and likely results in an absent or disrupted protein product. This variant is not present in population databases (ExAC no frequency). Algorithms developed to predict the effect of sequence changes on RNA splicing suggest that this variant may disrupt the consensus splice site, but this prediction has not been confirmed by published transcriptional studies. Donor and acceptor splice site variants typically lead to a loss of protein function (PMID: 16199547), and loss-of-function variants in DNAH5 are known to be pathogenic (PMID: 11788826, 16627867). In summary, the currently available evidence indicates that the variant is pathogenic, but additional data are needed to prove that conclusively. Therefore, this variant has been classified as Likely Pathogenic.

Literature cited by the submitters: PubMed 16199547; PubMed 11788826; PubMed 16627867.

NM_001369.3(DNAH5):c.6250-2A>G

Gene: DNAH5 (dynein axonemal heavy chain 5; minus strand). Cytogenetic location: 5p15.2.
Variant type: single nucleotide variant.
Coding change: c.6250-2A>G on transcript NM_001369.3 (MANE Select); the canonical splice acceptor site of the intron before coding-DNA position 6250, A replaced by G.
Molecular consequence: splice acceptor variant.
Genome position (GRCh38, 1-based): chr5:13,829,706, T>C on the plus strand (A>G on the coding strand, the complement: DNAH5 is on the minus strand). VCF-style: chr5-13829706-T-C. GRCh37 (hg19) VCF-style: chr5-13829815-T-C.
Identifiers: ClinVar variation 1068398 (VCV001068398.8), dbSNP rs2151835519, ClinGen allele CA359200505.
Genomic context (GRCh38, chr5:13,829,706, plus strand): 5'-GAGCGGAAATTAATCTTCAAGTTTTCAGGGAGTTCCTGCCGTCCGGCATAGCCAGGATTC[T>C]AAACAGAAAATAAAGCCCAAGGATGAATGATGCAATCAAGCACACATCAGCATCATATTA-3'